The following is an entry in ClinVar:

ClinVar aggregate classification (germline): Uncertain significance (1 of 4 stars; one submission).

Conditions:
Hyperekplexia 2 (HKPX2). Identifiers: Orphanet 3197, MedGen C3553291, MONDO:0013828, OMIM 614619.

Submission:

Labcorp Genetics (formerly Invitae), Labcorp
Classification: Uncertain significance for Hyperekplexia 2. Last evaluated: 2022-02-03. Review status: criteria provided, single submitter. Criteria: Invitae Variant Classification Sherloc (09022015). Collection method: clinical testing. Allele origin: germline.
Comment: Advanced modeling of protein sequence and biophysical properties (such as structural, functional, and spatial information, amino acid conservation, physicochemical variation, residue mobility, and thermodynamic stability) performed at Invitae indicates that this missense variant is not expected to disrupt GLRB protein function. This variant has not been reported in the literature in individuals affected with GLRB-related conditions. This variant is not present in population databases (gnomAD no frequency). This sequence change replaces aspartic acid, which is acidic and polar, with histidine, which is basic and polar, at codon 429 of the GLRB protein (p.Asp429His). In summary, the available evidence is currently insufficient to determine the role of this variant in disease. Therefore, it has been classified as a Variant of Uncertain Significance.

NM_000824.5(GLRB):c.1285G>C (p.Asp429His)

Gene: GLRB (glycine receptor beta; plus strand). Cytogenetic location: 4q32.1.
Variant type: single nucleotide variant.
Coding change: c.1285G>C on transcript NM_000824.5 (MANE Select); coding-DNA position 1285, G replaced by C.
Protein change: p.Asp429His; replaces aspartic acid 429 with histidine.
Molecular consequence: missense variant. On other transcripts: 3 prime UTR variant (1).
Genome position (GRCh38, 1-based): chr4:157,170,519, G>C. VCF-style: chr4-157170519-G-C. GRCh37 (hg19) VCF-style: chr4-158091671-G-C.
Other names: c.1285G>C, p.Asp429His (NM_001166060.2); c.*80G>C (NM_001166061.2); short protein forms D429H.
Identifiers: ClinVar variation 1386631 (VCV001386631.8), dbSNP rs1302907815, ClinGen allele CA358645053.
Genomic context (GRCh38, chr4:157,170,519, plus strand): 5'-TGTACTTCTAAGTCTGATCTGAGATCTAATGACTTCAGCATTGTTGGAAGCTTACCAAGA[G>C]ATTTTGAACTATCCAATTATGACTGCTATGGAAAACCCATTGAAGTTAACAACGGACTTG-3'
Protein context (NP_000815.1, residues 419-439): DFSIVGSLPR[Asp429His]FELSNYDCYG